The following is an entry in ClinVar:

ClinVar aggregate classification (germline): Uncertain significance (1 of 4 stars; one submission).

Allele frequency attached by ClinVar (database versions not stated): ExAC 0.00001; gnomAD 0.00001; 1000 Genomes Project 30x 0.00016; 1000 Genomes Project 0.00020.

Submission:

Labcorp Genetics (formerly Invitae), Labcorp
Classification: Uncertain significance. Last evaluated: 2021-08-03. Review status: criteria provided, single submitter. Criteria: Invitae Variant Classification Sherloc (09022015). Collection method: clinical testing. Allele origin: germline.
Comment: This sequence change replaces glycine with aspartic acid at codon 106 of the LIFR protein (p.Gly106Asp). The glycine residue is weakly conserved and there is a moderate physicochemical difference between glycine and aspartic acid. The frequency data for this variant in the population databases is considered unreliable, as metrics indicate poor data quality at this position in the ExAC database. This variant has not been reported in the literature in individuals with LIFR-related disease. Algorithms developed to predict the effect of missense changes on protein structure and function (SIFT, PolyPhen-2, Align-GVGD) all suggest that this variant is likely to be tolerated, but these predictions have not been confirmed by published functional studies and their clinical significance is uncertain. In summary, the available evidence is currently insufficient to determine the role of this variant in disease. Therefore, it has been classified as a Variant of Uncertain Significance.

NM_001127671.2(LIFR):c.317G>A (p.Gly106Asp)

Gene: LIFR (LIF receptor subunit alpha; minus strand). Cytogenetic location: 5p13.1.
Variant type: single nucleotide variant.
Coding change: c.317G>A on transcript NM_001127671.2 (MANE Select); coding-DNA position 317, G replaced by A.
Protein change: p.Gly106Asp; replaces glycine 106 with aspartic acid.
Molecular consequence: missense variant.
Genome position (GRCh38, 1-based): chr5:38,527,235, C>T on the plus strand (G>A on the coding strand, the complement: LIFR is on the minus strand). VCF-style: chr5-38527235-C-T. GRCh37 (hg19) VCF-style: chr5-38527337-C-T.
Other names: c.317G>A, p.Gly106Asp (NM_001364297.2, NM_001364298.2, NM_002310.6); short protein forms G106D.
Identifiers: ClinVar variation 2145845 (VCV002145845.1), dbSNP rs571743818, ClinGen allele CA3243260.